The following is an entry in ClinVar:

ClinVar aggregate classification (germline): Uncertain significance. Review status: criteria provided, multiple submitters, no conflicts (2 of 4 stars). 2 submissions from 2 submitters: Uncertain significance (2). Last evaluated 2026-04-08.

Conditions:
BCORL1-related disorder. Also called: BCORL1-related condition.

gnomAD v4.1: 2 of 1,211,714 alleles (0.00017%); highest among the groups gnomAD compares: Admixed American, 0.0043%; no homozygotes.

Submissions (2):

PreventionGenetics, part of Exact Sciences
Classification: Uncertain significance for BCORL1-related condition. Last evaluated: 2026-04-08. Review status: criteria provided, single submitter. Criteria: ACMG Guidelines, 2015. Collection method: clinical testing. Allele origin: germline.
Comment: The BCORL1 c.1699C>G variant is predicted to result in the amino acid substitution p.Leu567Val. To our knowledge, this variant has not been reported in the literature. This variant is reported in 0.0073% of alleles in individuals of Latino descent in gnomAD. At this time, the clinical significance of this variant is uncertain due to the absence of conclusive functional and genetic evidence.

Ambry Genetics
Classification: Uncertain significance. Last evaluated: 2026-03-03. Review status: criteria provided, single submitter. Criteria: Ambry Variant Classification Scheme 2023. Collection method: clinical testing. Allele origin: germline.

NM_001379451.1(BCORL1):c.1699C>G (p.Leu567Val)

Gene: BCORL1 (BCL6 corepressor like 1; plus strand). Cytogenetic location: Xq26.1.
Variant type: single nucleotide variant.
Coding change: c.1699C>G on transcript NM_001379451.1 (MANE Select); coding-DNA position 1699, C replaced by G.
Protein change: p.Leu567Val; replaces leucine 567 with valine.
Molecular consequence: missense variant.
Genome position (GRCh38, 1-based): chrX:130,014,471, C>G. VCF-style: chrX-130014471-C-G. GRCh37 (hg19) VCF-style: chrX-129148447-C-G.
Other names: c.1699C>G, p.Leu567Val (NM_001184772.3, NM_001379450.1, NM_001441326.1 and 7 more transcripts); short protein forms L567V.
Identifiers: ClinVar variation 4840875 (VCV004840875.2).